The following is an entry in ClinVar:

ClinVar aggregate classification (germline): Uncertain significance. Review status: criteria provided, multiple submitters, no conflicts (2 of 4 stars). 2 submissions from 2 submitters: Uncertain significance (2). Last evaluated 2023-01-25.

Conditions:
Inborn genetic diseases. Identifiers: MedGen C0950123, MeSH D030342.

Allele frequency attached by ClinVar (database versions not stated): gnomAD exomes 0.00001; ExAC 0.00002.
gnomAD v4.1: 3 of 1,597,154 alleles (0.00019%); highest among the groups gnomAD compares: Middle Eastern, 0.017%; no homozygotes.

Submissions (2):

Ambry Genetics
Classification: Uncertain significance for Inborn genetic diseases. Last evaluated: 2023-01-25. Review status: criteria provided, single submitter. Criteria: Ambry Variant Classification Scheme 2023. Collection method: clinical testing. Allele origin: germline.

Labcorp Genetics (formerly Invitae), Labcorp
Classification: Uncertain significance. Last evaluated: 2022-10-17. Review status: criteria provided, single submitter. Criteria: Invitae Variant Classification Sherloc (09022015). Collection method: clinical testing. Allele origin: germline.
Comment: In summary, the available evidence is currently insufficient to determine the role of this variant in disease. Therefore, it has been classified as a Variant of Uncertain Significance. Algorithms developed to predict the effect of missense changes on protein structure and function are either unavailable or do not agree on the potential impact of this missense change (SIFT: "Deleterious"; PolyPhen-2: "Benign"; Align-GVGD: "Class C65"). This variant has not been reported in the literature in individuals affected with MPDZ-related conditions. The frequency data for this variant in the population databases is considered unreliable, as metrics indicate poor data quality at this position in the gnomAD database. This sequence change replaces phenylalanine, which is neutral and non-polar, with serine, which is neutral and polar, at codon 1802 of the MPDZ protein (p.Phe1802Ser).

NM_001378778.1(MPDZ):c.5492T>C (p.Phe1831Ser)

Gene: MPDZ (multiple PDZ domain crumbs cell polarity complex component; minus strand). Cytogenetic location: 9p23.
Variant type: single nucleotide variant.
Coding change: c.5492T>C on transcript NM_001378778.1 (MANE Select); coding-DNA position 5492, T replaced by C.
Protein change: p.Phe1831Ser; replaces phenylalanine 1831 with serine.
Molecular consequence: missense variant.
Genome position (GRCh38, 1-based): chr9:13,113,996, A>G on the plus strand (T>C on the coding strand, the complement: MPDZ is on the minus strand). VCF-style: chr9-13113996-A-G. GRCh37 (hg19) VCF-style: chr9-13113995-A-G.
Other names: c.5393T>C, p.Phe1798Ser (NM_001261406.2, NM_001375416.1, NM_001375417.1 and 1 more transcripts); c.5306T>C, p.Phe1769Ser (NM_001261407.2, NM_001375419.1); c.5492T>C, p.Phe1831Ser (NM_001330637.2); c.5591T>C, p.Phe1864Ser (NM_001375413.1); c.5282T>C, p.Phe1761Ser (NM_001375420.1, NM_001375421.1, NM_001375422.1 and 2 more transcripts); c.5195T>C, p.Phe1732Ser (NM_001375425.1, NM_001375426.1); c.5084T>C, p.Phe1695Ser (NM_001375427.1); c.5405T>C, p.Phe1802Ser (NM_003829.5); and 1 more; short protein forms F1761S, F1769S, F1695S, F1732S, F1798S, F1831S, F1802S, F1864S.
Identifiers: ClinVar variation 1979132 (VCV001979132.5), dbSNP rs747281908, ClinGen allele CA4986245.